The following is an entry in ClinVar:

ClinVar aggregate classification (germline): Uncertain significance (1 of 4 stars; one submission).

Conditions:
Inborn genetic diseases. Identifiers: MedGen C0950123, MeSH D030342.

Allele frequency attached by ClinVar (database versions not stated): gnomAD 0.00001; gnomAD exomes 0.00001; TOPMed 0.00001.
gnomAD v4.1: 8 of 1,613,258 alleles (0.0005%); highest among the groups gnomAD compares: Admixed American, 0.0017%; no homozygotes.

Submission:

Ambry Genetics
Classification: Uncertain significance for Inborn genetic diseases. Last evaluated: 2024-12-20. Review status: criteria provided, single submitter. Criteria: Ambry Variant Classification Scheme 2023. Collection method: clinical testing. Allele origin: germline.
Comment: The p.K166N variant (also known as c.498G>C), located in coding exon 4 of the SBDS gene, results from a G to C substitution at nucleotide position 498. The lysine at codon 166 is replaced by asparagine, an amino acid with similar properties. This amino acid position is conserved. In addition, this alteration is predicted to be tolerated by in silico analysis. Based on the available evidence, the clinical significance of this variant remains unclear.

NM_016038.4(SBDS):c.498G>C (p.Lys166Asn)

Gene: SBDS (SBDS ribosome maturation factor; minus strand). Cytogenetic location: 7q11.21.
Variant type: single nucleotide variant.
Coding change: c.498G>C on transcript NM_016038.4 (MANE Select); coding-DNA position 498, G replaced by C.
Protein change: p.Lys166Asn; replaces lysine 166 with asparagine.
Molecular consequence: missense variant.
Genome position (GRCh38, 1-based): chr7:66,991,263, C>G on the plus strand (G>C on the coding strand, the complement: SBDS is on the minus strand). VCF-style: chr7-66991263-C-G. GRCh37 (hg19) VCF-style: chr7-66456250-C-G.
Other names: short protein forms K166N.
Identifiers: ClinVar variation 2543766 (VCV002543766.3), dbSNP rs1226498367, ClinGen allele CA367646914.